The following is an entry in ClinVar:

ClinVar aggregate classification (germline): Benign/Likely benign. Review status: criteria provided, multiple submitters, no conflicts (2 of 4 stars). 3 submissions from 3 submitters: Benign (1); Likely benign (2). Last evaluated 2026-01-26.

Allele frequency attached by ClinVar (database versions not stated): gnomAD 0.00004 and 0.00015; TOPMed 0.00010; gnomAD exomes 0.00024 and 0.00041; ExAC 0.00047; 1000 Genomes Project 30x 0.00125; 1000 Genomes Project 0.00140.
gnomAD v4.1: 383 of 1,614,126 alleles (0.024%); highest among the groups gnomAD compares: South Asian, 0.3%; 7 homozygotes.

Submissions (3):

Labcorp Genetics (formerly Invitae), Labcorp
Classification: Benign. Last evaluated: 2026-01-26. Review status: criteria provided, single submitter. Criteria: Invitae Variant Classification Sherloc (09022015). Collection method: clinical testing. Allele origin: germline.

Blueprint Genetics
Classification: Likely benign. Last evaluated: 2024-10-01. Review status: criteria provided, single submitter. Criteria: ACMG Guidelines, 2015. Collection method: clinical testing. Allele origin: germline.

CeGaT Center for Human Genetics Tuebingen
Classification: Likely benign. Last evaluated: 2024-02-01. Review status: criteria provided, single submitter. Criteria: CeGaT Center For Human Genetics Tuebingen Variant Classification Criteria Version 2. Collection method: clinical testing. Allele origin: germline. Affected: yes. Observed: 1 variant allele.
Comment: CAD: BP4, BP7, BS2

NM_004341.5(CAD):c.4332G>T (p.Gly1444=)

Gene: CAD (carbamoyl-phosphate synthetase 2, aspartate transcarbamylase, and dihydroorotase; plus strand). Cytogenetic location: 2p23.3.
Variant type: single nucleotide variant.
Coding change: c.4332G>T on transcript NM_004341.5 (MANE Select); coding-DNA position 4332, G replaced by T.
Protein change: p.Gly1444=; no amino-acid change (glycine 1444 retained).
Molecular consequence: synonymous variant.
Genome position (GRCh38, 1-based): chr2:27,236,766, G>T. VCF-style: chr2-27236766-G-T. GRCh37 (hg19) VCF-style: chr2-27459634-G-T.
Other names: c.4143G>T, p.Gly1381= (NM_001306079.2).
Identifiers: ClinVar variation 1604149 (VCV001604149.31), dbSNP rs199698155, ClinGen allele CA1573499.